The following is an entry in ClinVar:

ClinVar aggregate classification (germline): Conflicting classifications of pathogenicity. Review status: criteria provided, conflicting classifications (1 of 4 stars). 3 submissions from 3 submitters: Uncertain significance (2); Likely benign (1). Last evaluated 2025-10-06.

Conditions:
Hereditary cancer-predisposing syndrome. Also called: Neoplastic Syndromes, Hereditary; Tumor predisposition; Hereditary neoplastic syndrome; Hereditary Cancer Syndrome. Identifiers: Orphanet 140162, MedGen C0027672, MeSH D009386, MONDO:0015356.
Hereditary breast ovarian cancer syndrome. Also called: Hereditary breast and ovarian cancer syndrome; Hereditary breast and ovarian cancer; Hereditary breast and ovarian cancer syndrome (HBOC); Breast and ovarian cancer; Hereditary breast and/or ovarian cancer syndrome; BRCA1- and BRCA2-Associated Hereditary Breast and Ovarian Cancer. Identifiers: Orphanet 145, MedGen C0677776, MeSH D061325, MONDO:0003582. Disease mechanism: loss of function.

Submissions (3):

Labcorp Genetics (formerly Invitae), Labcorp
Classification: Uncertain significance for Hereditary breast ovarian cancer syndrome. Last evaluated: 2025-10-06. Review status: criteria provided, single submitter. Criteria: Invitae Variant Classification Sherloc (09022015). Collection method: clinical testing. Allele origin: germline.
Comment: This sequence change replaces leucine, which is neutral and non-polar, with isoleucine, which is neutral and non-polar, at codon 3135 of the BRCA2 protein (p.Leu3135Ile). This variant is not present in population databases (gnomAD no frequency). This variant has not been reported in the literature in individuals affected with BRCA2-related conditions. ClinVar contains an entry for this variant (Variation ID: 628601). Invitae Evidence Modeling of protein sequence and biophysical properties (such as structural, functional, and spatial information, amino acid conservation, physicochemical variation, residue mobility, and thermodynamic stability) indicates that this missense variant is not expected to disrupt BRCA2 protein function with a negative predictive value of 95%. In summary, the available evidence is currently insufficient to determine the role of this variant in disease. Therefore, it has been classified as a Variant of Uncertain Significance.

Ambry Genetics
Classification: Likely benign for Hereditary cancer-predisposing syndrome. Last evaluated: 2022-08-01. Review status: criteria provided, single submitter. Criteria: Ambry Variant Classification Scheme 2023. Collection method: clinical testing. Allele origin: germline.

Color Diagnostics, LLC DBA Color Health
Classification: Uncertain significance for Hereditary cancer-predisposing syndrome. Last evaluated: 2021-09-03. Review status: criteria provided, single submitter. Criteria: ACMG Guidelines, 2015. Collection method: clinical testing. Allele origin: germline.
Comment: This missense variant replaces leucine with isoleucine at codon 3135 of the BRCA2 protein. Computational prediction suggests that this variant may not impact protein structure and function (internally defined REVEL score threshold <= 0.5, PMID: 27666373). To our knowledge, functional studies have not been reported for this variant. This variant has not been reported in individuals affected with hereditary cancer in the literature. This variant has not been identified in the general population by the Genome Aggregation Database (gnomAD). The available evidence is insufficient to determine the role of this variant in disease conclusively. Therefore, this variant is classified as a Variant of Uncertain Significance.

NM_000059.4(BRCA2):c.9403C>A (p.Leu3135Ile)

Gene: BRCA2 (BRCA2 DNA repair associated; plus strand). Cytogenetic location: 13q13.1.
Variant type: single nucleotide variant.
Coding change: c.9403C>A on transcript NM_000059.4 (MANE Select); coding-DNA position 9403, C replaced by A.
Protein change: p.Leu3135Ile; replaces leucine 3135 with isoleucine.
Molecular consequence: missense variant.
Genome position (GRCh38, 1-based): chr13:32,394,835, C>A. VCF-style: chr13-32394835-C-A. GRCh37 (hg19) VCF-style: chr13-32968972-C-A.
Other names: short protein forms L3135I.
Identifiers: ClinVar variation 628601 (VCV000628601.15), dbSNP rs55704151, ClinGen allele CA387761375.